The following is an entry in ClinVar:

ClinVar aggregate classification (germline): Uncertain significance (1 of 4 stars; one submission).

Conditions:
Hereditary cancer-predisposing syndrome. Also called: Tumor predisposition; Neoplastic Syndromes, Hereditary; Hereditary Cancer Syndrome; Hereditary neoplastic syndrome. Identifiers: Orphanet 140162, MedGen C0027672, MeSH D009386, MONDO:0015356.

Submission:

Ambry Genetics
Classification: Uncertain significance for Hereditary cancer-predisposing syndrome. Last evaluated: 2024-11-12. Review status: criteria provided, single submitter. Criteria: Ambry Variant Classification Scheme 2023. Collection method: clinical testing. Allele origin: germline.
Comment: The p.E585D variant (also known as c.1755A>C), located in coding exon 9 of the BRCA1 gene, results from an A to C substitution at nucleotide position 1755. The glutamic acid at codon 585 is replaced by aspartic acid, an amino acid with highly similar properties. This amino acid position is well conserved in available vertebrate species. In addition, the in silico prediction for this alteration is inconclusive. Based on the available evidence, the clinical significance of this variant remains unclear.

NM_007294.4(BRCA1):c.1755A>C (p.Glu585Asp)

Gene: BRCA1 (BRCA1 DNA repair associated; minus strand). Cytogenetic location: 17q21.31.
Variant type: single nucleotide variant.
Coding change: c.1755A>C on transcript NM_007294.4 (MANE Select); coding-DNA position 1755, A replaced by C.
Protein change: p.Glu585Asp; replaces glutamic acid 585 with aspartic acid.
Molecular consequence: missense variant. On other transcripts: intron variant (137).
Genome position (GRCh38, 1-based): chr17:43,093,776, T>G on the plus strand (A>C on the coding strand, the complement: BRCA1 is on the minus strand). VCF-style: chr17-43093776-T-G. GRCh37 (hg19) VCF-style: chr17-41245793-T-G.
Other names: c.574+968A>C (NM_001408491.1, NM_001408493.1, NM_001408490.1); c.1491A>C, p.Glu497Asp (NM_001407927.1, NM_001407928.1, NM_001407929.1 and 9 more transcripts); c.460+2070A>C (NM_001408506.1, NM_001408507.1); c.1488A>C, p.Glu496Asp (NM_001407931.1, NM_001407930.1, NM_001407932.1 and 2 more transcripts); c.577+968A>C (NM_001408481.1, NM_001408480.1, NM_001408492.1 and 9 more transcripts); c.784+968A>C (NM_001407985.1, NM_001408401.1, NM_001408396.1 and 13 more transcripts); c.778+968A>C (NM_001408408.1); c.661+968A>C (NM_001408446.1, NM_001408435.1, NM_001408448.1 and 6 more transcripts); and 40 more; short protein forms E457D, E458D, E473D, E496D, E517D, E538D, E584D, E585D.
Identifiers: ClinVar variation 3481897 (VCV003481897.1).
Genomic context (GRCh38, chr17:43,093,776, plus strand): 5'-TGCTTTTGAATTGTGGATATTTAATTCGAGTTCCATATTGCTTATACTGCTGCTTATAGG[T>G]TCAGCTTTCGTTTTGAAAGCAGATTCTTTTTCGAGTGATTCTATTGGGTTAGGATTTTTC-3'
Protein context (NP_009225.1, residues 575-595): EKESAFKTKA[Glu585Asp]PISSSISNME